The following is an entry in ClinVar:

NM_000987.5(RPL26):c.105C>G (p.Ser35=)

Gene: RPL26 (ribosomal protein L26; minus strand). Cytogenetic location: 17p13.1.
Variant type: single nucleotide variant.
Coding change: c.105C>G on transcript NM_000987.5 (MANE Select); coding-DNA position 105, C replaced by G.
Protein change: p.Ser35=; no amino-acid change (serine 35 retained).
Molecular consequence: synonymous variant.
Genome position (GRCh38, 1-based): chr17:8,382,206, G>C on the plus strand (C>G on the coding strand, the complement: RPL26 is on the minus strand). VCF-style: chr17-8382206-G-C. GRCh37 (hg19) VCF-style: chr17-8285524-G-C.
Other names: c.105C>G, p.Ser35= (NM_001315530.2, NM_001315531.2); c.105C>G (NM_000987.3).
Identifiers: ClinVar variation 2052391 (VCV002052391.6), dbSNP rs1907452738, ClinGen allele CA497784343.
Genomic context (GRCh38, chr17:8,382,206, plus strand): 5'-AACTTCATCATCCTTTCGGATGGGCATGGATCGCACGTTGTACTTCTGTCTCAGCTCTTT[G>C]GAAAGAGGGGAAGACATAATCTTCCTTCGAATGTGGGAAGGTGCATTGAAATGCCTTTTG-3'
Protein context (NP_000978.1, residues 25-45): IRRKIMSSPL[Ser35=]KELRQKYNVR

ClinVar aggregate classification (germline): Likely benign. Review status: criteria provided, single submitter (1 of 4 stars). 2 submissions from 2 submitters: Likely benign (1). 1 of the submissions does not count toward it. Last evaluated 2022-07-23.

Conditions:
RPL26-related disorder. Also called: RPL26-related condition.
Diamond-Blackfan anemia. Also called: Blackfan Diamond syndrome; Aregenerative anemia chronic congenital; Red cell aplasia, pure hereditary; Congenital hypoplastic anemia; Aase syndrome. Identifiers: Orphanet 124, MedGen C1260899, MeSH D029503, MONDO:0015253, HP:0004810.

Allele frequency attached by ClinVar (database versions not stated): gnomAD exomes below 0.00001; TOPMed below 0.00001.
gnomAD v4.1: 2 of 1,613,798 alleles (0.00012%); highest among the groups gnomAD compares: Non-Finnish European, 0.00017%; no homozygotes.

Submissions (2):

Labcorp Genetics (formerly Invitae), Labcorp
Classification: Likely benign for Diamond-Blackfan anemia. Last evaluated: 2022-07-23. Review status: criteria provided, single submitter. Criteria: Invitae Variant Classification Sherloc (09022015). Collection method: clinical testing. Allele origin: germline.

PreventionGenetics, part of Exact Sciences
Classification: Likely benign for RPL26-related condition. Last evaluated: 2021-04-18. Review status: no assertion criteria provided. Collection method: clinical testing. Allele origin: germline. Not counted in ClinVar's aggregate classification.
Comment: This variant is classified as likely benign based on ACMG/AMP sequence variant interpretation guidelines (Richards et al. 2015 PMID: 25741868, with internal and published modifications).